The following is an entry in ClinVar:

ClinVar aggregate classification (germline): Pathogenic (1 of 4 stars; one submission).

Conditions:
Cardiovascular phenotype. Identifiers: MedGen CN230736.

Submission:

Ambry Genetics
Classification: Pathogenic for Cardiovascular phenotype. Last evaluated: 2025-06-05. Review status: criteria provided, single submitter. Criteria: Ambry Variant Classification Scheme 2023. Collection method: clinical testing. Allele origin: germline.
Comment: The p.Y241* pathogenic mutation (also known as c.723C>A), located in coding exon 1 of the ALPK3 gene, results from a C to A substitution at nucleotide position 723. This changes the amino acid from a tyrosine to a stop codon within coding exon 1. This variant is considered to be rare based on population cohorts in the Genome Aggregation Database (gnomAD). This alteration is expected to result in loss of function by premature protein truncation or nonsense-mediated mRNA decay. As such, this alteration is interpreted as a disease-causing mutation.

NM_020778.5(ALPK3):c.117C>A (p.Tyr39Ter)

Gene: ALPK3 (alpha kinase 3; plus strand). Cytogenetic location: 15q25.3.
Variant type: single nucleotide variant.
Coding change: c.117C>A on transcript NM_020778.5 (MANE Select); coding-DNA position 117, C replaced by A.
Protein change: p.Tyr39Ter; replaces tyrosine 39 with a stop codon.
Molecular consequence: nonsense.
Genome position (GRCh38, 1-based): chr15:84,817,569, C>A. VCF-style: chr15-84817569-C-A. GRCh37 (hg19) VCF-style: chr15-85360800-C-A.
Other names: short protein forms Y39*.
Identifiers: ClinVar variation 4044802 (VCV004044802.1).
Genomic context (GRCh38, chr15:84,817,569, plus strand): 5'-GGGGGGCGACGGTGAGGACGACGGCCCCGTGTGGATCCCCAGCCCAGCCAGCCGGAGCTA[C>A]CTGCTCAGCGTGCGGCCCGAGACCAGGTAAGTGGCACCAAGGGGCAGGGCGGCGTCGGGC-3'